The following is an entry in ClinVar:

ClinVar aggregate classification (germline): Uncertain significance (1 of 4 stars; one submission).

Conditions:
X-linked Emery-Dreifuss muscular dystrophy. Also called: Muscular dystrophy, tardive Emery-Dreifuss type, with contractures. Identifiers: Orphanet 261, Orphanet 98863, MedGen C0751337, MONDO:0010680.

Submission:

Labcorp Genetics (formerly Invitae), Labcorp
Classification: Uncertain significance for X-linked Emery-Dreifuss muscular dystrophy. Last evaluated: 2023-03-01. Review status: criteria provided, single submitter. Criteria: Invitae Variant Classification Sherloc (09022015). Collection method: clinical testing. Allele origin: germline.
Comment: This sequence change replaces tyrosine, which is neutral and polar, with aspartic acid, which is acidic and polar, at codon 41 of the EMD protein (p.Tyr41Asp). In summary, the available evidence is currently insufficient to determine the role of this variant in disease. Therefore, it has been classified as a Variant of Uncertain Significance. Advanced modeling of protein sequence and biophysical properties (such as structural, functional, and spatial information, amino acid conservation, physicochemical variation, residue mobility, and thermodynamic stability) performed at Invitae indicates that this missense variant is expected to disrupt EMD protein function. This variant has not been reported in the literature in individuals affected with EMD-related conditions. This variant is not present in population databases (gnomAD no frequency).

NM_000117.3(EMD):c.121T>G (p.Tyr41Asp)

Gene: EMD (emerin; plus strand). Cytogenetic location: Xq28.
Variant type: single nucleotide variant.
Coding change: c.121T>G on transcript NM_000117.3 (MANE Select); coding-DNA position 121, T replaced by G.
Protein change: p.Tyr41Asp; replaces tyrosine 41 with aspartic acid.
Molecular consequence: missense variant.
Genome position (GRCh38, 1-based): chrX:154,379,728, T>G. VCF-style: chrX-154379728-T-G. GRCh37 (hg19) VCF-style: chrX-153608088-T-G.
Other names: short protein forms Y41D.
Identifiers: ClinVar variation 2841804 (VCV002841804.3), dbSNP rs1466415445, ClinGen allele CA415257432.